The following is an entry in ClinVar:

ClinVar aggregate classification (germline): Benign. Review status: criteria provided, single submitter (1 of 4 stars). 2 submissions from 2 submitters: Benign (1). 1 of the submissions does not count toward it. Last evaluated 2026-01-27.

Conditions:
REPS1-related disorder. Also called: REPS1-related condition.

Allele frequency attached by ClinVar (database versions not stated): gnomAD exomes 0.00032; 1000 Genomes Project 0.00339; gnomAD 0.00370; TOPMed 0.00388; 1000 Genomes Project 30x 0.00390; ESP Exome Variant Server 0.00500.
gnomAD v4.1: 1,046 of 1,609,406 alleles (0.065%); highest among the groups gnomAD compares: African/African-American, 1.2%; 5 homozygotes.

Submissions (2):

Labcorp Genetics (formerly Invitae), Labcorp
Classification: Benign. Last evaluated: 2026-01-27. Review status: criteria provided, single submitter. Criteria: Invitae Variant Classification Sherloc (09022015). Collection method: clinical testing. Allele origin: germline.

PreventionGenetics, part of Exact Sciences
Classification: Benign for REPS1-related condition. Last evaluated: 2019-05-03. Review status: no assertion criteria provided. Collection method: clinical testing. Allele origin: germline. Not counted in ClinVar's aggregate classification.
Comment: This variant is classified as benign based on ACMG/AMP sequence variant interpretation guidelines (Richards et al. 2015 PMID: 25741868, with internal and published modifications).

NM_001286611.2(REPS1):c.444G>A (p.Thr148=)

Gene: REPS1 (RALBP1 associated Eps domain containing 1; minus strand). Cytogenetic location: 6q24.1.
Variant type: single nucleotide variant.
Coding change: c.444G>A on transcript NM_001286611.2 (MANE Select); coding-DNA position 444, G replaced by A.
Protein change: p.Thr148=; no amino-acid change (threonine 148 retained).
Molecular consequence: synonymous variant.
Genome position (GRCh38, 1-based): chr6:138,945,531, C>T on the plus strand (G>A on the coding strand, the complement: REPS1 is on the minus strand). VCF-style: chr6-138945531-C-T. GRCh37 (hg19) VCF-style: chr6-139266668-C-T.
Other names: c.444G>A, p.Thr148= (NM_001128617.3, NM_001286612.2, NM_031922.5).
Identifiers: ClinVar variation 734817 (VCV000734817.11), dbSNP rs116376647, ClinGen allele CA4024456.